The following is an entry in ClinVar:

ClinVar aggregate classification (germline): Uncertain significance (1 of 4 stars; one submission).

Allele frequency attached by ClinVar (database versions not stated): gnomAD exomes 0.00001 and 0.00002; ExAC 0.00002; TOPMed 0.00002.
gnomAD v4.1: 5 of 1,584,894 alleles (0.00032%); highest among the groups gnomAD compares: Admixed American, 0.0088%; no homozygotes.

Submission:

Labcorp Genetics (formerly Invitae), Labcorp
Classification: Uncertain significance. Last evaluated: 2024-10-21. Review status: criteria provided, single submitter. Criteria: Invitae Variant Classification Sherloc (09022015). Collection method: clinical testing. Allele origin: germline.
Comment: This sequence change replaces glutamic acid, which is acidic and polar, with lysine, which is basic and polar, at codon 1216 of the PCLO protein (p.Glu1216Lys). This variant is present in population databases (rs748086704, gnomAD 0.01%). This variant has not been reported in the literature in individuals affected with PCLO-related conditions. ClinVar contains an entry for this variant (Variation ID: 1383343). An algorithm developed to predict the effect of missense changes on protein structure and function outputs the following: PolyPhen-2: "Not Available". The lysine amino acid residue is found in multiple mammalian species, which suggests that this missense change does not adversely affect protein function. In summary, the available evidence is currently insufficient to determine the role of this variant in disease. Therefore, it has been classified as a Variant of Uncertain Significance.

NM_033026.6(PCLO):c.3646G>A (p.Glu1216Lys)

Gene: PCLO (piccolo presynaptic cytomatrix protein; minus strand). Cytogenetic location: 7q21.11.
Variant type: single nucleotide variant.
Coding change: c.3646G>A on transcript NM_033026.6 (MANE Select); coding-DNA position 3646, G replaced by A.
Protein change: p.Glu1216Lys; replaces glutamic acid 1216 with lysine.
Molecular consequence: missense variant.
Genome position (GRCh38, 1-based): chr7:82,966,142, C>T on the plus strand (G>A on the coding strand, the complement: PCLO is on the minus strand). VCF-style: chr7-82966142-C-T. GRCh37 (hg19) VCF-style: chr7-82595458-C-T.
Other names: c.3646G>A, p.Glu1216Lys (NM_014510.3); short protein forms E1216K.
Identifiers: ClinVar variation 1383343 (VCV001383343.4), dbSNP rs748086704, ClinGen allele CA4320997.